The following is an entry in ClinVar:

Conditions:
Arteriohepatic dysplasia. Also called: Alagille Syndrome. Identifiers: Orphanet 52, MedGen C0085280, MeSH D016738, MONDO:0007318.

Submission:

Gilbert/Spinner Lab, Children's Hospital of Philadelphia
No classification provided (evidence only). Condition: Alagille syndrome. Review status: no classification provided. Collection method: research. Allele origin: not applicable. Functional consequence: functionally_abnormal.
ClinVar note: "not provided" was previously submitted as the classification for the variant. However, the classification appeared to be based only on an observation of functional data so it was converted to no classification on 2025-07-30.

NM_000214.3(JAG1):c.554T>G (p.Val185Gly)

Gene: JAG1 (jagged canonical Notch ligand 1; minus strand). Cytogenetic location: 20p12.2.
Variant type: single nucleotide variant.
Coding change: c.554T>G on transcript NM_000214.3 (MANE Select); coding-DNA position 554, T replaced by G.
Protein change: p.Val185Gly; replaces valine 185 with glycine.
Molecular consequence: missense variant.
Genome position (GRCh38, 1-based): chr20:10,658,608, A>C on the plus strand (T>G on the coding strand, the complement: JAG1 is on the minus strand). VCF-style: chr20-10658608-A-C. GRCh37 (hg19) VCF-style: chr20-10639256-A-C.
Other names: short protein forms V185G.
Identifiers: ClinVar variation 3573330 (VCV003573330.2).
Genomic context (GRCh38, chr20:10,658,608, plus strand): 5'-TCATCTCTGGGGCGGCAGAACTTATTGCAGCCAAAGCCATAGTAGTAGTCATCACAGGTC[A>C]CGCGGATCTGATACTCAAAGTGGGCAACGCCCGTGTTCTGCTTCAGCGTCTGCCACTGCC-3'
Protein context (NP_000205.1, residues 175-195): GVAHFEYQIR[Val185Gly]TCDDYYYGFG